The following is an entry in ClinVar:

ClinVar aggregate classification (germline): Benign. Review status: criteria provided, multiple submitters, no conflicts (2 of 4 stars). 2 submissions from 2 submitters: Benign (2). Last evaluated 2018-06-19.

Allele frequency attached by ClinVar (database versions not stated): 1000 Genomes Project 0.49641; 1000 Genomes Project 30x 0.50172; TOPMed 0.57626; gnomAD 0.58536; gnomAD exomes 0.61427.
gnomAD v4.1: 587,824 of 964,494 alleles (61%); highest among the groups gnomAD compares: Non-Finnish European, 62%; 180,088 homozygotes.

Submissions (2):

GeneDx
Classification: Benign. Last evaluated: 2018-06-19. Review status: criteria provided, single submitter. Criteria: GeneDx Variant Classification (06012015). Collection method: clinical testing. Allele origin: germline. Affected: yes.
Comment: This variant is considered likely benign or benign based on one or more of the following criteria: it is a conservative change, it occurs at a poorly conserved position in the protein, it is predicted to be benign by multiple in silico algorithms, and/or has population frequency not consistent with disease.

Breakthrough Genomics
Classification: Benign. Review status: criteria provided, single submitter. Criteria: ACMG Guidelines, 2015. Collection method: not provided. Allele origin: germline. Inheritance: Autosomal recessive inheritance. Affected: yes.

NM_001034850.3(RETREG1):c.459-25602T>C

Gene: RETREG1 (reticulophagy regulator 1; minus strand). Cytogenetic location: 5p15.1.
Variant type: single nucleotide variant.
Coding change: c.459-25602T>C on transcript NM_001034850.3 (MANE Select); 25602 bases into the intron before coding-DNA position 459, T replaced by C.
Molecular consequence: intron variant.
Genome position (GRCh38, 1-based): chr5:16,509,074, A>G on the plus strand (T>C on the coding strand, the complement: RETREG1 is on the minus strand). VCF-style: chr5-16509074-A-G. GRCh37 (hg19) VCF-style: chr5-16509183-A-G.
Identifiers: ClinVar variation 679844 (VCV000679844.2), dbSNP rs41117, ClinGen allele CA15391538.